The following is an entry in ClinVar:

NM_015884.4(MBTPS2):c.554G>A (p.Arg185Gln)

Gene: MBTPS2 (membrane bound transcription factor peptidase, site 2; plus strand). Cytogenetic location: Xp22.12.
Variant type: single nucleotide variant.
Coding change: c.554G>A on transcript NM_015884.4 (MANE Select); coding-DNA position 554, G replaced by A.
Protein change: p.Arg185Gln; replaces arginine 185 with glutamine.
Molecular consequence: missense variant.
Genome position (GRCh38, 1-based): chrX:21,853,387, G>A. VCF-style: chrX-21853387-G-A. GRCh37 (hg19) VCF-style: chrX-21871505-G-A.
Other names: short protein forms R185Q.
Identifiers: ClinVar variation 2795486 (VCV002795486.3), dbSNP rs1191679832, ClinGen allele CA412562937.
Genomic context (GRCh38, chrX:21,853,387, plus strand): 5'-ATAAATATAATAGTATTAGTAAACTCCTTTTTCTTATGTGATTTCTTAGGGAACAAGTTC[G>A]ATTTAATGGCTTTGGGATTTTTCTCTTCATTATTTATCCTGGAGCATTTGTTGATCTGTT-3'
Protein context (NP_056968.1, residues 175-195): HGIAAIREQV[Arg185Gln]FNGFGIFLFI

ClinVar aggregate classification (germline): Uncertain significance (1 of 4 stars; one submission).

Allele frequency attached by ClinVar (database versions not stated): gnomAD exomes below 0.00001; TOPMed below 0.00001.
gnomAD v4.1: 1 of 1,199,577 alleles (0.000083%); highest among the groups gnomAD compares: Admixed American, 0.0022%; no homozygotes.

Submission:

Labcorp Genetics (formerly Invitae), Labcorp
Classification: Uncertain significance. Last evaluated: 2024-05-01. Review status: criteria provided, single submitter. Criteria: Invitae Variant Classification Sherloc (09022015). Collection method: clinical testing. Allele origin: germline.
Comment: This sequence change replaces arginine, which is basic and polar, with glutamine, which is neutral and polar, at codon 185 of the MBTPS2 protein (p.Arg185Gln). This variant is present in population databases (no rsID available, gnomAD 0.004%). This variant has not been reported in the literature in individuals affected with MBTPS2-related conditions. Advanced modeling of protein sequence and biophysical properties (such as structural, functional, and spatial information, amino acid conservation, physicochemical variation, residue mobility, and thermodynamic stability) performed at Invitae indicates that this missense variant is not expected to disrupt MBTPS2 protein function with a negative predictive value of 80%. In summary, the available evidence is currently insufficient to determine the role of this variant in disease. Therefore, it has been classified as a Variant of Uncertain Significance.